The following is an entry in ClinVar:

ClinVar aggregate classification (germline): Uncertain significance (1 of 4 stars; one submission).

Allele frequency attached by ClinVar (database versions not stated): gnomAD 0.00001; gnomAD exomes 0.00001; TOPMed below 0.00001; ExAC 0.00002.
gnomAD v4.1: 14 of 1,579,542 alleles (0.00089%); highest among the groups gnomAD compares: Non-Finnish European, 0.0012%; no homozygotes.

Submission:

Labcorp Genetics (formerly Invitae), Labcorp
Classification: Uncertain significance. Last evaluated: 2025-09-27. Review status: criteria provided, single submitter. Criteria: Invitae Variant Classification Sherloc (09022015). Collection method: clinical testing. Allele origin: germline.
Comment: This sequence change replaces histidine, which is basic and polar, with arginine, which is basic and polar, at codon 1760 of the CACNA1E protein (p.His1760Arg). This variant is present in population databases (rs766192834, gnomAD 0.003%). This variant has not been reported in the literature in individuals affected with CACNA1E-related conditions. ClinVar contains an entry for this variant (Variation ID: 2909036). Invitae Evidence Modeling of protein sequence and biophysical properties (such as structural, functional, and spatial information, amino acid conservation, physicochemical variation, residue mobility, and thermodynamic stability) has been performed for this missense variant. However, the output from this modeling did not meet the statistical confidence thresholds required to predict the impact of this variant on CACNA1E protein function. In summary, the available evidence is currently insufficient to determine the role of this variant in disease. Therefore, it has been classified as a Variant of Uncertain Significance.

NM_001205293.3(CACNA1E):c.5279A>G (p.His1760Arg)

Gene: CACNA1E (calcium voltage-gated channel subunit alpha1 E; plus strand). Cytogenetic location: 1q25.3.
Variant type: single nucleotide variant.
Coding change: c.5279A>G on transcript NM_001205293.3 (MANE Select); coding-DNA position 5279, A replaced by G.
Protein change: p.His1760Arg; replaces histidine 1760 with arginine.
Molecular consequence: missense variant.
Genome position (GRCh38, 1-based): chr1:181,781,438, A>G. VCF-style: chr1-181781438-A-G. GRCh37 (hg19) VCF-style: chr1-181750574-A-G.
Other names: c.5279A>G, p.His1760Arg (NM_000721.4); c.5222A>G, p.His1741Arg (NM_001205294.2); short protein forms H1741R, H1760R.
Identifiers: ClinVar variation 2909036 (VCV002909036.3), dbSNP rs766192834, ClinGen allele CA1276086.
Genomic context (GRCh38, chr1:181,781,438, plus strand): 5'-ACTGCCCCGCTAACCCACCCCATCCCAACTCACCACCCTCCATGAGCAGTGGCCGCATCC[A>G]TTACACTGAGATGTATGAAATGCTGACTCTCATGTCACCTCCGCTAGGCCTCGGCAAGAG-3'
Protein context (NP_001192222.1, residues 1750-1770): EYDRAACGRI[His1760Arg]YTEMYEMLTL